The following is an entry in ClinVar:

ClinVar aggregate classification (germline): Uncertain significance. Review status: criteria provided, multiple submitters, no conflicts (2 of 4 stars). 2 submissions from 2 submitters: Uncertain significance (2). Last evaluated 2023-07-25.

Allele frequency attached by ClinVar (database versions not stated): gnomAD exomes below 0.00001 and 0.00002; ExAC 0.00001; TOPMed 0.00002; gnomAD 0.00005.
gnomAD v4.1: 13 of 1,613,976 alleles (0.00081%); highest among the groups gnomAD compares: African/African-American, 0.011%; no homozygotes.

Submissions (2):

Labcorp Genetics (formerly Invitae), Labcorp
Classification: Uncertain significance. Last evaluated: 2023-07-25. Review status: criteria provided, single submitter. Criteria: Invitae Variant Classification Sherloc (09022015). Collection method: clinical testing. Allele origin: germline.
Comment: This sequence change replaces methionine, which is neutral and non-polar, with isoleucine, which is neutral and non-polar, at codon 393 of the RAI1 protein (p.Met393Ile). This variant is present in population databases (rs776854795, gnomAD 0.03%). This variant has not been reported in the literature in individuals affected with RAI1-related conditions. ClinVar contains an entry for this variant (Variation ID: 1367964). Advanced modeling of protein sequence and biophysical properties (such as structural, functional, and spatial information, amino acid conservation, physicochemical variation, residue mobility, and thermodynamic stability) performed at Invitae indicates that this missense variant is expected to disrupt RAI1 protein function. In summary, the available evidence is currently insufficient to determine the role of this variant in disease. Therefore, it has been classified as a Variant of Uncertain Significance.

Breakthrough Genomics
Classification: Uncertain significance. Review status: criteria provided, single submitter. Criteria: ACMG Guidelines, 2015. Collection method: not provided. Allele origin: germline. Inheritance: Autosomal dominant inheritance. Affected: yes.

NM_030665.4(RAI1):c.1179G>A (p.Met393Ile)

Gene: RAI1 (retinoic acid induced 1; plus strand). Cytogenetic location: 17p11.2.
Variant type: single nucleotide variant.
Coding change: c.1179G>A on transcript NM_030665.4 (MANE Select); coding-DNA position 1179, G replaced by A.
Protein change: p.Met393Ile; replaces methionine 393 with isoleucine.
Molecular consequence: missense variant.
Genome position (GRCh38, 1-based): chr17:17,794,127, G>A. VCF-style: chr17-17794127-G-A. GRCh37 (hg19) VCF-style: chr17-17697441-G-A.
Other names: short protein forms M393I.
Identifiers: ClinVar variation 1367964 (VCV001367964.9), dbSNP rs776854795, ClinGen allele CA8418285.
Genomic context (GRCh38, chr17:17,794,127, plus strand): 5'-CCAGCAGCCGCTCAGCACCGGGGCCTTCCCCGCAGGGATCACTGACCACAGCCACTTCAT[G>A]CCCCTGCTCAATCCCTCCCCAACGGATGCCACCAGCTCTGTGGACACCCAGGCTGGCAAC-3'
Protein context (NP_109590.3, residues 383-403): PAGITDHSHF[Met393Ile]PLLNPSPTDA